The following is an entry in ClinVar:

ClinVar aggregate classification (germline): Uncertain significance (1 of 4 stars; one submission).

Submission:

GeneDx
Classification: Uncertain significance. Last evaluated: 2024-10-03. Review status: criteria provided, single submitter. Criteria: GeneDx Variant Classification Process June 2021. Collection method: clinical testing. Allele origin: germline. Affected: yes.
Comment: Not observed at significant frequency in large population cohorts (gnomAD); In silico analysis supports that this missense variant has a deleterious effect on protein structure/function; Has not been previously published as pathogenic or benign to our knowledge

NM_170606.3(KMT2C):c.13019G>T (p.Gly4340Val)

Gene: KMT2C (lysine methyltransferase 2C; minus strand). Cytogenetic location: 7q36.1.
Variant type: single nucleotide variant.
Coding change: c.13019G>T on transcript NM_170606.3 (MANE Select); coding-DNA position 13019, G replaced by T.
Protein change: p.Gly4340Val; replaces glycine 4340 with valine.
Molecular consequence: missense variant.
Genome position (GRCh38, 1-based): chr7:152,148,908, C>A on the plus strand (G>T on the coding strand, the complement: KMT2C is on the minus strand). VCF-style: chr7-152148908-C-A. GRCh37 (hg19) VCF-style: chr7-151845993-C-A.
Other names: short protein forms G4340V.
Identifiers: ClinVar variation 3776675 (VCV003776675.1).